The following is an entry in ClinVar:

ClinVar aggregate classification (germline): Conflicting classifications of pathogenicity. Review status: criteria provided, conflicting classifications (1 of 4 stars). 4 submissions from 4 submitters: Likely pathogenic (2); Uncertain significance (1). 1 of the submissions does not count toward it. Last evaluated 2025-10-15.

Conditions:
Arginase deficiency. Also called: ARGININEMIA; ARG1 DEFICIENCY; Arginase 1 Deficiency. Identifiers: Orphanet 90, MedGen C0268548, MONDO:0008814, OMIM 207800.

Submissions (4):

Labcorp Genetics (formerly Invitae), Labcorp
Classification: Likely pathogenic for Arginase deficiency. Last evaluated: 2025-10-15. Review status: criteria provided, single submitter. Criteria: Invitae Variant Classification Sherloc (09022015). Collection method: clinical testing. Allele origin: germline.
Comment: This variant, c.863_865del, results in the deletion of 1 amino acid(s) of the ARG1 protein (p.Glu288del), but otherwise preserves the integrity of the reading frame. This variant is present in population databases (no rsID available, gnomAD 0.009%). This variant has been observed in individual(s) with arginase deficiency (internal data). In at least one individual the data is consistent with being in trans (on the opposite chromosome) from a pathogenic variant. ClinVar contains an entry for this variant (Variation ID: 550456). In summary, the currently available evidence indicates that the variant is pathogenic, but additional data are needed to prove that conclusively. Therefore, this variant has been classified as Likely Pathogenic.

Department of Pathology and Laboratory Medicine, Sinai Health System
Classification: Likely pathogenic for Arginase deficiency. Last evaluated: 2023-07-13. Review status: criteria provided, single submitter. Criteria: ACMG Guidelines, 2015. Collection method: research. Allele origin: germline.

Blueprint Genetics
Classification: Uncertain significance. Last evaluated: 2022-07-20. Review status: criteria provided, single submitter. Criteria: ACMG Guidelines, 2015. Collection method: clinical testing. Allele origin: germline.

Counsyl
Classification: Uncertain significance for Arginase deficiency. Last evaluated: 2017-01-19. Review status: no assertion criteria provided. Collection method: clinical testing. Allele origin: unknown. Not counted in ClinVar's aggregate classification.

NM_000045.4(ARG1):c.860AAG[1] (p.Glu288del)

Genes: ARG1 (arginase 1; plus strand), MED23 (mediator complex subunit 23; minus strand). Cytogenetic location: 6q23.2.
Variant type: Microsatellite.
Coding change: c.860AAG[1] on transcript NM_000045.4 (MANE Select); one copy of the 3-base unit AAG starting at c.860; the reference has two copies in a row; one copy, 3 bases deleted.
Protein change: p.Glu288del; deletes glutamic acid 288.
Molecular consequence: inframe deletion. On other transcripts: non-coding transcript variant (1), intron variant (2).
Genome position (GRCh38, 1-based): chr6:131,583,802-131,583,804, AAG deleted; deleting any 3 consecutive bases within chr6:131,583,797-131,583,804 gives the same sequence; the position shown is the placement nearest the transcript's 3' end. VCF-style (leftmost placement, unchanged base first): chr6-131583796-CAGA-C. GRCh37 (hg19) VCF-style: chr6-131904936-CAGA-C.
Other names: c.884AAG[1], p.Glu296del (NM_001244438.2); c.605AAG[1], p.Glu203del (NM_001369020.1); c.4077+3910_4077+3912del (NM_001270521.2); c.4095+3910_4095+3912del (NM_015979.4); short protein forms E288del, E203del, E296del.
Identifiers: ClinVar variation 550456 (VCV000550456.12), dbSNP rs1399124034, ClinGen allele CA570508600.